The following is an entry in ClinVar:

ClinVar aggregate classification (germline): Pathogenic. Review status: criteria provided, multiple submitters, no conflicts (2 of 4 stars). 2 submissions from 2 submitters: Pathogenic (2). Last evaluated 2025-12-23.

Conditions:
CHARGE syndrome (CHARGE). Also called: Hittner Hirsch Kreh syndrome; CHARGE ASSOCIATION--COLOBOMA, HEART ANOMALY, CHOANAL ATRESIA, RETARDATION, GENITAL AND EAR ANOMALIES; Coloboma, heart anomaly, choanal atresia, retardation, genital and ear anomalies; CHARGE association; Hall-Hittner syndrome. Identifiers: Orphanet 138, MedGen C0265354, MONDO:0008965.
CHD7-related disorder. Also called: CHD7-related condition.

Submissions (2):

Labcorp Genetics (formerly Invitae), Labcorp
Classification: Pathogenic for CHARGE syndrome. Last evaluated: 2025-12-23. Review status: criteria provided, single submitter. Criteria: Invitae Variant Classification Sherloc (09022015). Collection method: clinical testing. Allele origin: germline.
Comment: This sequence change affects a donor splice site in intron 3 of the CHD7 gene. It is expected to disrupt RNA splicing. Variants that disrupt the donor or acceptor splice site typically lead to a loss of protein function (PMID: 16199547), and loss-of-function variants in CHD7 are known to be pathogenic (PMID: 22461308, 25077900). This variant is not present in population databases (gnomAD no frequency). Disruption of this splice site has been observed in individual(s) with CHARGE syndrome (PMID: 22461308). In at least one individual the variant was observed to be de novo. Algorithms developed to predict the effect of sequence changes on RNA splicing suggest that this variant may disrupt the consensus splice site. For these reasons, this variant has been classified as Pathogenic.

PreventionGenetics, part of Exact Sciences
Classification: Pathogenic for CHD7-related condition. Last evaluated: 2025-06-20. Review status: criteria provided, single submitter. Criteria: ACMG Guidelines, 2015. Collection method: clinical testing. Allele origin: germline.
Comment: The CHD7 c.2096+1G>A variant is predicted to disrupt the GT donor site and interfere with normal splicing. To our knowledge, this variant has not been reported in the literature or in a large population database (gnomAD), indicating this variant is rare. Variants affecting this splice site (c.2096+2T>A, c.2096+2T>C) have been reported as pathogenic in individuals with CHARGE syndrome (Janssen et al. 2012. PubMed ID: 22461308; Bartels et al. 2010. PubMed ID: 21158681). Variants that disrupt the consensus splice donor site in CHD7 are expected to be pathogenic. This variant is interpreted as pathogenic.

Literature cited by the submitters: PubMed 16199547 (cited by Labcorp Genetics (formerly Invitae), Labcorp); PubMed 22461308 (cited by Labcorp Genetics (formerly Invitae), Labcorp); PubMed 25077900 (cited by Labcorp Genetics (formerly Invitae), Labcorp).

NM_017780.4(CHD7):c.2096+1G>A

Genes: CHD7 (chromodomain helicase DNA binding protein 7; plus strand), LOC126860403 (CDK7 strongly-dependent group 2 enhancer GRCh37_chr8:61693034-61694233; plus strand). Cytogenetic location: 8q12.2.
Variant type: single nucleotide variant.
Coding change: c.2096+1G>A on transcript NM_017780.4 (MANE Select); the canonical splice donor site of the intron after coding-DNA position 2096, G replaced by A.
Molecular consequence: splice donor variant. On other transcripts: intron variant (1).
Genome position (GRCh38, 1-based): chr8:60,781,431, G>A. VCF-style: chr8-60781431-G-A. GRCh37 (hg19) VCF-style: chr8-61693990-G-A.
Other names: c.1716+381G>A (NM_001316690.1); c.2096+1G>A (NM_017780.3).
Identifiers: ClinVar variation 4734020 (VCV004734020.2).